The following is an entry in ClinVar:

ClinVar aggregate classification (germline): Uncertain significance (1 of 4 stars; one submission).

Allele frequency attached by ClinVar (database versions not stated): TOPMed below 0.00001; gnomAD 0.00001.
gnomAD v4.1: 8 of 1,613,856 alleles (0.0005%); highest among the groups gnomAD compares: Admixed American, 0.0017%; no homozygotes.

Submission:

Labcorp Genetics (formerly Invitae), Labcorp
Classification: Uncertain significance. Last evaluated: 2022-07-23. Review status: criteria provided, single submitter. Criteria: Invitae Variant Classification Sherloc (09022015). Collection method: clinical testing. Allele origin: germline.
Comment: In summary, the available evidence is currently insufficient to determine the role of this variant in disease. Therefore, it has been classified as a Variant of Uncertain Significance. Algorithms developed to predict the effect of missense changes on protein structure and function (SIFT, PolyPhen-2, Align-GVGD) all suggest that this variant is likely to be tolerated. This variant has not been reported in the literature in individuals affected with NALCN-related conditions. This variant is present in population databases (no rsID available, gnomAD 0.003%). This sequence change replaces glutamic acid, which is acidic and polar, with lysine, which is basic and polar, at codon 1635 of the NALCN protein (p.Glu1635Lys).

NM_052867.4(NALCN):c.4903G>A (p.Glu1635Lys)

Gene: NALCN (sodium leak channel, non-selective; minus strand). Cytogenetic location: 13q32.3.
Variant type: single nucleotide variant.
Coding change: c.4903G>A on transcript NM_052867.4 (MANE Select); coding-DNA position 4903, G replaced by A.
Protein change: p.Glu1635Lys; replaces glutamic acid 1635 with lysine.
Molecular consequence: missense variant.
Genome position (GRCh38, 1-based): chr13:101,059,820, C>T on the plus strand (G>A on the coding strand, the complement: NALCN is on the minus strand). VCF-style: chr13-101059820-C-T. GRCh37 (hg19) VCF-style: chr13-101712172-C-T.
Other names: c.4990G>A, p.Glu1664Lys (NM_001350748.2); c.4903G>A, p.Glu1635Lys (NM_001350749.2); c.4816G>A, p.Glu1606Lys (NM_001350750.2, NM_001350751.2); short protein forms E1664K, E1635K, E1606K.
Identifiers: ClinVar variation 1987036 (VCV001987036.4), dbSNP rs1303503623, ClinGen allele CA388643979.
Genomic context (GRCh38, chr13:101,059,820, plus strand): 5'-TATTAAAAGAAAGAAGCCCACAGAGTGTCCTGGGACAGAGGACGCCTCGTGCCCATACCT[C>T]AGGTTGCATGCTGTTGTCCTGACTGTTGGCATTCGTGTCCTCACTGGGCTGGGTGGTCTC-3'
Protein context (NP_443099.1, residues 1625-1645): ANSQDNSMQP[Glu1635Lys]TSSQQQLLSP